The following is an entry in ClinVar:

NM_014000.3(VCL):c.3319C>T (p.Arg1107Trp)

Gene: VCL (vinculin; plus strand). Cytogenetic location: 10q22.2.
Variant type: single nucleotide variant.
Coding change: c.3319C>T on transcript NM_014000.3 (MANE Select); coding-DNA position 3319, C replaced by T.
Protein change: p.Arg1107Trp; replaces arginine 1107 with tryptophan.
Molecular consequence: missense variant.
Genome position (GRCh38, 1-based): chr10:74,118,083, C>T. VCF-style: chr10-74118083-C-T. GRCh37 (hg19) VCF-style: chr10-75877841-C-T.
Other names: c.3115C>T, p.Arg1039Trp (NM_003373.4); short protein forms R1039W, R1107W.
Identifiers: ClinVar variation 4811052 (VCV004811052.1).

ClinVar aggregate classification (germline): Uncertain significance (1 of 4 stars; one submission).

Conditions:
Dilated cardiomyopathy 1W (CMD1W). Identifiers: Orphanet 154, MedGen C1969639, MONDO:0012667, OMIM 611407.

gnomAD v4.1: 7 of 1,614,104 alleles (0.00043%); highest among the groups gnomAD compares: Non-Finnish European, 0.00059%; no homozygotes.

Submission:

Labcorp Genetics (formerly Invitae), Labcorp
Classification: Uncertain significance for Dilated cardiomyopathy 1W. Last evaluated: 2025-06-15. Review status: criteria provided, single submitter. Criteria: Invitae Variant Classification Sherloc (09022015). Collection method: clinical testing. Allele origin: germline.
Comment: This sequence change replaces arginine, which is basic and polar, with tryptophan, which is neutral and slightly polar, at codon 1107 of the VCL protein (p.Arg1107Trp). This variant is present in population databases (rs778062413, gnomAD 0.003%). This variant has not been reported in the literature in individuals affected with VCL-related conditions. An algorithm developed to predict the effect of missense changes on protein structure and function (PolyPhen-2) suggests that this variant is likely to be disruptive. In summary, the available evidence is currently insufficient to determine the role of this variant in disease. Therefore, it has been classified as a Variant of Uncertain Significance.